The following is an entry in ClinVar:

ClinVar aggregate classification (germline): Uncertain significance (1 of 4 stars; one submission).

Allele frequency attached by ClinVar (database versions not stated): ExAC 0.00001.
gnomAD v4.1: 7 of 1,614,122 alleles (0.00043%); highest among the groups gnomAD compares: Admixed American, 0.0033%; no homozygotes.

Submission:

Labcorp Genetics (formerly Invitae), Labcorp
Classification: Uncertain significance. Last evaluated: 2023-02-17. Review status: criteria provided, single submitter. Criteria: Invitae Variant Classification Sherloc (09022015). Collection method: clinical testing. Allele origin: germline.
Comment: An algorithm developed to predict the effect of missense changes on protein structure and function (PolyPhen-2) suggests that this variant is likely to be tolerated. In summary, the available evidence is currently insufficient to determine the role of this variant in disease. Therefore, it has been classified as a Variant of Uncertain Significance. This variant has not been reported in the literature in individuals affected with SPTB-related conditions. This sequence change replaces glutamic acid, which is acidic and polar, with lysine, which is basic and polar, at codon 1091 of the SPTB protein (p.Glu1091Lys). This variant is present in population databases (rs760294011, gnomAD 0.006%).

NM_001355436.2(SPTB):c.3271G>A (p.Glu1091Lys)

Gene: SPTB (spectrin beta, erythrocytic; minus strand). Cytogenetic location: 14q23.3.
Variant type: single nucleotide variant.
Coding change: c.3271G>A on transcript NM_001355436.2 (MANE Select); coding-DNA position 3271, G replaced by A.
Protein change: p.Glu1091Lys; replaces glutamic acid 1091 with lysine.
Molecular consequence: missense variant.
Genome position (GRCh38, 1-based): chr14:64,786,694, C>T on the plus strand (G>A on the coding strand, the complement: SPTB is on the minus strand). VCF-style: chr14-64786694-C-T. GRCh37 (hg19) VCF-style: chr14-65253412-C-T.
Other names: c.3271G>A, p.Glu1091Lys (NM_001024858.4, NM_001355437.2); short protein forms E1091K.
Identifiers: ClinVar variation 3010762 (VCV003010762.3), dbSNP rs760294011, ClinGen allele CA7230662.